The following is an entry in ClinVar:

NM_003072.5(SMARCA4):c.4666G>T (p.Val1556Phe)

Gene: SMARCA4 (SWI/SNF related BAF chromatin remodeling complex subunit ATPase 4; plus strand). Cytogenetic location: 19p13.2.
Variant type: single nucleotide variant.
Coding change: c.4666G>T on transcript NM_003072.5 (MANE Select); coding-DNA position 4666, G replaced by T.
Protein change: p.Val1556Phe; replaces valine 1556 with phenylalanine.
Molecular consequence: missense variant. On other transcripts: non-coding transcript variant (1).
Genome position (GRCh38, 1-based): chr19:11,059,783, G>T. VCF-style: chr19-11059783-G-T. GRCh37 (hg19) VCF-style: chr19-11170459-G-T.
Other names: c.4666G>T, p.Val1556Phe (NM_001128844.3); c.4576G>T, p.Val1526Phe (NM_001128845.2); c.4573G>T, p.Val1525Phe (NM_001128846.2); c.4567G>T, p.Val1523Phe (NM_001128847.4, NM_001374457.1); c.4564G>T, p.Val1522Phe (NM_001128848.2); c.4762G>T, p.Val1588Phe (NM_001128849.3, NM_001387283.1); c.4663G>T, p.Val1555Phe (NM_001411150.1); c.4762G>T (NM_001128849.1); short protein forms V1522F, V1526F, V1555F, V1588F, V1525F, V1556F, V1523F.
Identifiers: ClinVar variation 3636889 (VCV003636889.3).

ClinVar aggregate classification (germline): Uncertain significance. Review status: criteria provided, multiple submitters, no conflicts (2 of 4 stars). 2 submissions from 2 submitters: Uncertain significance (2). Last evaluated 2025-02-06.

Conditions:
Hereditary cancer-predisposing syndrome. Also called: Hereditary neoplastic syndrome; Tumor predisposition; Hereditary Cancer Syndrome; Neoplastic Syndromes, Hereditary. Identifiers: Orphanet 140162, MedGen C0027672, MeSH D009386, MONDO:0015356.
Rhabdoid tumor predisposition syndrome 2 (RTPS2). Identifiers: Orphanet 231108, Orphanet 69077, MedGen C2750074, MONDO:0013224, OMIM 613325.

Submissions (2):

Ambry Genetics
Classification: Uncertain significance for Hereditary cancer-predisposing syndrome. Last evaluated: 2025-02-06. Review status: criteria provided, single submitter. Criteria: Ambry Variant Classification Scheme 2023. Collection method: clinical testing. Allele origin: germline.
Comment: The p.V1588F variant (also known as c.4762G>T), located in coding exon 33 of the SMARCA4 gene, results from a G to T substitution at nucleotide position 4762. The valine at codon 1588 is replaced by phenylalanine, an amino acid with highly similar properties. This amino acid position is conserved. In addition, the in silico prediction for this alteration is inconclusive. Based on the available evidence, the clinical significance of this variant remains unclear.

Labcorp Genetics (formerly Invitae), Labcorp
Classification: Uncertain significance for Rhabdoid tumor predisposition syndrome 2. Last evaluated: 2024-03-17. Review status: criteria provided, single submitter. Criteria: Invitae Variant Classification Sherloc (09022015). Collection method: clinical testing. Allele origin: germline.
Comment: This sequence change replaces valine, which is neutral and non-polar, with phenylalanine, which is neutral and non-polar, at codon 1588 of the SMARCA4 protein (p.Val1588Phe). This variant is not present in population databases (gnomAD no frequency). This variant has not been reported in the literature in individuals affected with SMARCA4-related conditions. Advanced modeling of protein sequence and biophysical properties (such as structural, functional, and spatial information, amino acid conservation, physicochemical variation, residue mobility, and thermodynamic stability) has been performed at Invitae for this missense variant, however the output from this modeling did not meet the statistical confidence thresholds required to predict the impact of this variant on SMARCA4 protein function. In summary, the available evidence is currently insufficient to determine the role of this variant in disease. Therefore, it has been classified as a Variant of Uncertain Significance.